The following is an entry in ClinVar:

NM_138694.4(PKHD1):c.3587C>A (p.Thr1196Lys)

Gene: PKHD1 (PKHD1 ciliary IPT domain containing fibrocystin/polyductin; minus strand). Cytogenetic location: 6p12.2.
Variant type: single nucleotide variant.
Coding change: c.3587C>A on transcript NM_138694.4 (MANE Select); coding-DNA position 3587, C replaced by A.
Protein change: p.Thr1196Lys; replaces threonine 1196 with lysine.
Molecular consequence: missense variant.
Genome position (GRCh38, 1-based): chr6:52,027,870, G>T on the plus strand (C>A on the coding strand, the complement: PKHD1 is on the minus strand). VCF-style: chr6-52027870-G-T. GRCh37 (hg19) VCF-style: chr6-51892668-G-T.
Other names: c.3587C>A, p.Thr1196Lys (NM_170724.3); short protein forms T1196K.
Identifiers: ClinVar variation 4801359 (VCV004801359.1).

ClinVar aggregate classification (germline): Uncertain significance (1 of 4 stars; one submission).

Conditions:
Autosomal recessive polycystic kidney disease (ARPKD). Also called: AR polycystic kidney disease. Identifiers: Orphanet 731, Orphanet 8378, MedGen C0085548, MeSH D017044, MONDO:0009889.

Submission:

Labcorp Genetics (formerly Invitae), Labcorp
Classification: Uncertain significance for Autosomal recessive polycystic kidney disease. Last evaluated: 2026-01-28. Review status: criteria provided, single submitter. Criteria: Invitae Variant Classification Sherloc (09022015). Collection method: clinical testing. Allele origin: germline.
Comment: This sequence change replaces threonine, which is neutral and polar, with lysine, which is basic and polar, at codon 1196 of the PKHD1 protein (p.Thr1196Lys). This variant is not present in population databases (gnomAD no frequency). This variant has not been reported in the literature in individuals affected with PKHD1-related conditions. Invitae Evidence Modeling of protein sequence and biophysical properties (such as structural, functional, and spatial information, amino acid conservation, physicochemical variation, residue mobility, and thermodynamic stability) has been performed for this missense variant. However, the output from this modeling did not meet the statistical confidence thresholds required to predict the impact of this variant on PKHD1 protein function. In summary, the available evidence is currently insufficient to determine the role of this variant in disease. Therefore, it has been classified as a Variant of Uncertain Significance.